The following is an entry in ClinVar:

NM_001292034.3(TAB2):c.975G>C (p.Gln325His)

Genes: TAB2 (TGF-beta activated kinase 1 (MAP3K7) binding protein 2; plus strand), LOC126859827 (BRD4-independent group 4 enhancer GRCh37_chr6:149699707-149700906; plus strand). Cytogenetic location: 6q25.1.
Variant type: single nucleotide variant.
Coding change: c.975G>C on transcript NM_001292034.3 (MANE Select); coding-DNA position 975, G replaced by C.
Protein change: p.Gln325His; replaces glutamine 325 with histidine.
Molecular consequence: missense variant.
Genome position (GRCh38, 1-based): chr6:149,378,890, G>C. VCF-style: chr6-149378890-G-C. GRCh37 (hg19) VCF-style: chr6-149700026-G-C.
Other names: c.879G>C, p.Gln293His (NM_001292035.3); c.975G>C, p.Gln325His (NM_001369506.1, NM_015093.6); short protein forms Q293H, Q325H.
Identifiers: ClinVar variation 2395000 (VCV002395000.4), dbSNP rs143053730, ClinGen allele CA4041469.

ClinVar aggregate classification (germline): Uncertain significance. Review status: criteria provided, multiple submitters, no conflicts (2 of 4 stars). 2 submissions from 2 submitters: Uncertain significance (2). Last evaluated 2024-05-17.

Conditions:
Inborn genetic diseases. Identifiers: MedGen C0950123, MeSH D030342.

Allele frequency attached by ClinVar (database versions not stated): ExAC 0.00001; gnomAD 0.00001; TOPMed 0.00001; ESP Exome Variant Server 0.00015.
gnomAD v4.1: 3 of 1,613,982 alleles (0.00019%); highest among the groups gnomAD compares: Non-Finnish European, 0.00025%; no homozygotes.

Submissions (2):

Labcorp Genetics (formerly Invitae), Labcorp
Classification: Uncertain significance. Last evaluated: 2024-05-17. Review status: criteria provided, single submitter. Criteria: Invitae Variant Classification Sherloc (09022015). Collection method: clinical testing. Allele origin: germline.
Comment: This sequence change replaces glutamine, which is neutral and polar, with histidine, which is basic and polar, at codon 325 of the TAB2 protein (p.Gln325His). This variant is present in population databases (rs143053730, gnomAD 0.002%). This variant has not been reported in the literature in individuals affected with TAB2-related conditions. ClinVar contains an entry for this variant (Variation ID: 2395000). Advanced modeling of protein sequence and biophysical properties (such as structural, functional, and spatial information, amino acid conservation, physicochemical variation, residue mobility, and thermodynamic stability) has been performed at Invitae for this missense variant, however the output from this modeling did not meet the statistical confidence thresholds required to predict the impact of this variant on TAB2 protein function. In summary, the available evidence is currently insufficient to determine the role of this variant in disease. Therefore, it has been classified as a Variant of Uncertain Significance.

Ambry Genetics
Classification: Uncertain significance for Inborn genetic diseases. Last evaluated: 2022-08-17. Review status: criteria provided, single submitter. Criteria: Ambry Variant Classification Scheme 2023. Collection method: clinical testing. Allele origin: germline.